The following is an entry in ClinVar:

ClinVar aggregate classification (germline): Benign. Review status: criteria provided, multiple submitters, no conflicts (2 of 4 stars). 9 submissions from 9 submitters: Benign (8). 1 of the submissions does not count toward it. Last evaluated 2026-02-04.

Conditions:
Donnai-Barrow syndrome. Also called: FACIOOCULOACOUSTICORENAL SYNDROME; DBS/FOAR SYNDROME. Identifiers: Orphanet 2143, MedGen C1857277, MONDO:0009104, OMIM 222448.

Allele frequency attached by ClinVar (database versions not stated): TOPMed 0.14832; ESP Exome Variant Server 0.15178; gnomAD 0.15380 and 0.16067; 1000 Genomes Project 30x 0.18332; 1000 Genomes Project 0.19069; ExAC 0.20262; gnomAD exomes 0.20311 and 0.20634.
gnomAD v4.1: 326,211 of 1,613,812 alleles (20%); highest among the groups gnomAD compares: East Asian, 31%; 35,241 homozygotes.

Submissions (9):

Labcorp Genetics (formerly Invitae), Labcorp
Classification: Benign. Last evaluated: 2026-02-04. Review status: criteria provided, single submitter. Criteria: Invitae Variant Classification Sherloc (09022015). Collection method: clinical testing. Allele origin: germline.

Blueprint Genetics
Classification: Benign. Last evaluated: 2024-11-26. Review status: criteria provided, single submitter. Criteria: ACMG Guidelines, 2015. Collection method: clinical testing. Allele origin: germline.

Mayo Clinic Laboratories, Mayo Clinic
Classification: Benign. Last evaluated: 2022-11-10. Review status: criteria provided, single submitter. Criteria: ACMG Guidelines, 2015. Collection method: clinical testing. Allele origin: germline. Observed: 39 variant alleles.

Genome-Nilou Lab
Classification: Benign for Donnai-Barrow syndrome. Last evaluated: 2021-08-19. Review status: criteria provided, single submitter. Criteria: ACMG Guidelines, 2015. Collection method: clinical testing. Allele origin: germline. Affected: no.

Illumina Laboratory Services, Illumina
Classification: Benign for Donnai-Barrow syndrome. Last evaluated: 2018-01-12. Review status: criteria provided, single submitter. Criteria: ICSL Variant Classification Criteria 13 December 2019. Collection method: clinical testing. Allele origin: germline.
Comment: This variant was observed in the ICSL laboratory as part of a predisposition screen in an ostensibly healthy population. It had not been previously curated by ICSL or reported in the Human Gene Mutation Database (HGMD: prior to June 1st, 2018), and was therefore a candidate for classification through an automated scoring system. Utilizing variant allele frequency, disease prevalence and penetrance estimates, and inheritance mode, an automated score was calculated to assess if this variant is too frequent to cause the disease. Based on the score and internal cut-off values, a variant classified as benign is not then subjected to further curation. The score for this variant resulted in a classification of benign for this disease.

GeneDx
Classification: Benign. Last evaluated: 2015-03-03. Review status: criteria provided, single submitter. Criteria: GeneDx Variant Classification Process June 2021. Collection method: clinical testing. Allele origin: germline. Affected: yes.

Breakthrough Genomics
Classification: Benign. Review status: criteria provided, single submitter. Criteria: ACMG Guidelines, 2015. Collection method: not provided. Allele origin: germline. Inheritance: Autosomal recessive inheritance. Affected: yes.

PreventionGenetics, part of Exact Sciences
Classification: Benign. Review status: criteria provided, single submitter. Criteria: ACMG Guidelines, 2015. Collection method: clinical testing. Allele origin: germline.

Genetic Services Laboratory, University of Chicago
Classification: Likely benign for AllHighlyPenetrant. Review status: no assertion criteria provided. Collection method: clinical testing. Allele origin: germline. Inheritance: Autosomal recessive inheritance. Not counted in ClinVar's aggregate classification.
Comment: Likely benign based on allele frequency in 1000 Genomes Project or ESP global frequency and its presence in a patient with a rare or unrelated disease phenotype. NOT Sanger confirmed.

NM_004525.3(LRP2):c.11601T>C (p.Cys3867=)

Gene: LRP2 (LDL receptor related protein 2; minus strand). Cytogenetic location: 2q31.1.
Variant type: single nucleotide variant.
Coding change: c.11601T>C on transcript NM_004525.3 (MANE Select); coding-DNA position 11601, T replaced by C.
Protein change: p.Cys3867=; no amino-acid change (cysteine 3867 retained).
Molecular consequence: synonymous variant.
Genome position (GRCh38, 1-based): chr2:169,168,573, A>G on the plus strand (T>C on the coding strand, the complement: LRP2 is on the minus strand). VCF-style: chr2-169168573-A-G. GRCh37 (hg19) VCF-style: chr2-170025083-A-G.
Other names: p.Cys3867=.
Identifiers: ClinVar variation 129493 (VCV000129493.25), dbSNP rs2229268, ClinGen allele CA153539.